The following is an entry in ClinVar:

NM_000030.3(AGXT):c.352C>T (p.Arg118Cys)

Gene: AGXT (alanine--glyoxylate aminotransferase; plus strand). Cytogenetic location: 2q37.3.
Variant type: single nucleotide variant.
Coding change: c.352C>T on transcript NM_000030.3 (MANE Select); coding-DNA position 352, C replaced by T.
Protein change: p.Arg118Cys; replaces arginine 118 with cysteine.
Molecular consequence: missense variant.
Genome position (GRCh38, 1-based): chr2:240,869,356, C>T. VCF-style: chr2-240869356-C-T. GRCh37 (hg19) VCF-style: chr2-241808773-C-T.
Other names: short protein forms R118C.
Identifiers: ClinVar variation 204095 (VCV000204095.9), dbSNP rs376844297, ClinGen allele CA275677.

ClinVar aggregate classification (germline): Conflicting classifications of pathogenicity. Review status: criteria provided, conflicting classifications (1 of 4 stars). 6 submissions from 6 submitters: Pathogenic (1); Likely pathogenic (1); Uncertain significance (3). 1 of the submissions does not count toward it. Last evaluated 2025-12-04.

Conditions:
AGXT-related disorder. Also called: AGXT-related condition.
Primary hyperoxaluria, type I (HP1). Also called: GLYCOLIC ACIDURIA; HEPATIC AGT DEFICIENCY; OXALOSIS I; Primary hyperoxaluria type 1. Identifiers: Orphanet 416, Orphanet 93598, MedGen C0268164, MONDO:0009823, OMIM 259900. Disease mechanism: loss of function.

Allele frequency attached by ClinVar (database versions not stated): TOPMed 0.00005; gnomAD 0.00006.
gnomAD v4.1: 104 of 1,591,258 alleles (0.0065%); highest among the groups gnomAD compares: Non-Finnish European, 0.0078%; no homozygotes.

Submissions (6):

PreventionGenetics, part of Exact Sciences
Classification: Likely pathogenic for AGXT-related condition. Last evaluated: 2025-12-04. Review status: criteria provided, single submitter. Criteria: ACMG Guidelines, 2015. Collection method: clinical testing. Allele origin: germline.
Comment: The AGXT c.352C>T variant is predicted to result in the amino acid substitution p.Arg118Cys. This variant was reported in three individuals with primary hyperoxaluria; however, information about second AGXT allele was not provided (Table 2, Abid et al. 2023. PubMed ID: 36185032). This variant was also observed together with AGXT loss-of-function variant in an individual with primary hyperoxaluria (Table S2, Cogal et al. 2021. PubMed ID: 34805638). This variant is reported in 0.012% of alleles in individuals of South Asian descent in gnomAD. This variant is assessed in range from uncertain to pathogenic in ClinVar (Variation ID: 204095). We interpret this variant as likely pathogenic.

Labcorp Genetics (formerly Invitae), Labcorp
Classification: Uncertain significance. Last evaluated: 2025-06-22. Review status: criteria provided, single submitter. Criteria: Invitae Variant Classification Sherloc (09022015). Collection method: clinical testing. Allele origin: germline.
Comment: This sequence change replaces arginine, which is basic and polar, with cysteine, which is neutral and slightly polar, at codon 118 of the AGXT protein (p.Arg118Cys). This variant is present in population databases (rs376844297, gnomAD 0.01%). This missense change has been observed in individual(s) with clinical features of primary hyperoxaluria (PMID: 34805638, 36185032). ClinVar contains an entry for this variant (Variation ID: 204095). Invitae Evidence Modeling of protein sequence and biophysical properties (such as structural, functional, and spatial information, amino acid conservation, physicochemical variation, residue mobility, and thermodynamic stability) indicates that this missense variant is expected to disrupt AGXT protein function with a positive predictive value of 80%. In summary, the available evidence is currently insufficient to determine the role of this variant in disease. Therefore, it has been classified as a Variant of Uncertain Significance.

Rare Kidney Stone Consortium and the Mayo Clinic Hyperoxaluria Center, Mayo Clinic
Classification: Pathogenic for Primary hyperoxaluria, type I. Last evaluated: 2023-10-27. Review status: criteria provided, single submitter. Criteria: ACMG Guidelines, 2015. Collection method: clinical testing. Allele origin: germline. Affected: yes.
Comment: ACMG:PS3 PM2PM5 PP3 PP4

Fulgent Genetics
Classification: Uncertain significance for Primary hyperoxaluria, type I. Last evaluated: 2022-01-14. Review status: criteria provided, single submitter. Criteria: ACMG Guidelines, 2015. Collection method: clinical testing. Allele origin: unknown.

Eurofins Ntd Llc (ga)
Classification: Uncertain significance. Last evaluated: 2015-12-22. Review status: criteria provided, single submitter. Criteria: EGL Classification Definitions 2015. Collection method: clinical testing. Allele origin: germline.

Clinical Biochemistry Laboratory, Health Services Laboratory
Classification: Pathogenic for Primary hyperoxaluria, type I. Last evaluated: 2014-11-27. Review status: no assertion criteria provided. Collection method: in vivo. Allele origin: germline. Affected: yes. Not counted in ClinVar's aggregate classification.

Literature cited by the submitters: PubMed 34805638 (cited by Labcorp Genetics (formerly Invitae), Labcorp and Rare Kidney Stone Consortium and the Mayo Clinic Hyperoxaluria Center, Mayo Clinic); PubMed 36185032 (cited by Labcorp Genetics (formerly Invitae), Labcorp).